The following is an entry in ClinVar:

ClinVar aggregate classification (germline): Likely pathogenic (1 of 4 stars; one submission).

Conditions:
Familial infantile myasthenia (CMS6). Also called: Congenital myasthenic syndrome type 6; MYASTHENIC SYNDROME, PRESYNAPTIC, CONGENITAL, ASSOCIATED WITH EPISODIC APNEA; MYASTHENIC SYNDROME, CONGENITAL, 6, PRESYNAPTIC. Identifiers: Orphanet 590, MedGen C0393929, MONDO:0009689, OMIM 254210.

Allele frequency attached by ClinVar (database versions not stated): gnomAD exomes below 0.00001; gnomAD 0.00001; ExAC 0.00002.

Submission:

Labcorp Genetics (formerly Invitae), Labcorp
Classification: Likely pathogenic for Familial infantile myasthenia. Last evaluated: 2023-11-14. Review status: criteria provided, single submitter. Criteria: Invitae Variant Classification Sherloc (09022015). Collection method: clinical testing. Allele origin: germline.
Comment: This sequence change replaces arginine, which is basic and polar, with cysteine, which is neutral and slightly polar, at codon 560 of the CHAT protein (p.Arg560Cys). This variant is present in population databases (rs773307141, gnomAD 0.004%). This variant has not been reported in the literature in individuals affected with CHAT-related conditions. Advanced modeling of protein sequence and biophysical properties (such as structural, functional, and spatial information, amino acid conservation, physicochemical variation, residue mobility, and thermodynamic stability) performed at Invitae indicates that this missense variant is expected to disrupt CHAT protein function with a positive predictive value of 95%. This variant disrupts the p.Arg560 amino acid residue in CHAT. Other variant(s) that disrupt this residue have been determined to be pathogenic (PMID: 11172068; Invitae). This suggests that this residue is clinically significant, and that variants that disrupt this residue are likely to be disease-causing. In summary, the currently available evidence indicates that the variant is pathogenic, but additional data are needed to prove that conclusively. Therefore, this variant has been classified as Likely Pathogenic.

Literature cited by the submitters: PubMed 11172068.

NM_020549.5(CHAT):c.1678C>T (p.Arg560Cys)

Gene: CHAT (choline O-acetyltransferase; plus strand). Cytogenetic location: 10q11.23.
Variant type: single nucleotide variant.
Coding change: c.1678C>T on transcript NM_020549.5 (MANE Select); coding-DNA position 1678, C replaced by T.
Protein change: p.Arg560Cys; replaces arginine 560 with cysteine.
Molecular consequence: missense variant.
Genome position (GRCh38, 1-based): chr10:49,655,138, C>T. VCF-style: chr10-49655138-C-T. GRCh37 (hg19) VCF-style: chr10-50863184-C-T.
Other names: c.1324C>T, p.Arg442Cys (NM_001142929.2, NM_001142934.2, NM_020984.4 and 2 more transcripts); c.1432C>T, p.Arg478Cys (NM_001142933.2); short protein forms R442C, R560C, R478C.
Identifiers: ClinVar variation 2993039 (VCV002993039.3), dbSNP rs773307141, ClinGen allele CA5497595.
Genomic context (GRCh38, chr10:49,655,138, plus strand): 5'-TCCTTCATCCCACGCAGGCTCCATCGAAGACTGGTGCCCACCTACGAGAGCGCGTCCATC[C>T]GCCGATTCCAGGAGGGACGCGTGGACAACATCAGATCGGCCACTCCAGAGGCACTGGCTT-3'
Protein context (NP_065574.4, residues 550-570): LVPTYESASI[Arg560Cys]RFQEGRVDNI